The following continues an entry in ClinVar:

NM_020975.6(RET):c.1998G>T (p.Lys666Asn)

Gene: RET. ClinVar aggregate classification (germline): Pathogenic/Likely pathogenic. Pathogenic (15); Likely pathogenic (8).

Submission 23 of 23:

Rady Children's Institute for Genomic Medicine, Rady Children's Hospital San Diego
Classification: Pathogenic for RET-related disorders. Review status: criteria provided, single submitter. Criteria: ACMG Guidelines, 2015. Collection method: clinical testing. Allele origin: germline. Affected: yes.
Comment: This variant has been previously reported as a heterozygous change in multiple unrelated patients with medullary thyroid cancer (MTC), and as a homozygous change in one patient with MTC and bilateral pheochromocytoma (PMID: 27673361, 20103606, 29408964). The c.1998G>T (p.Lys666Asn) variant has been shown to segregate with disease in family members; however, it has also been observed in unaffected family members suggesting it may be a reduced penetrance allele (PMID: 27673361). Functional studies suggest this missense variant increases ERK and RET phosphorylation and cellular transformation (PMID: 20103606). Different amino acid changes at the same residue (p.K666E, p.K666R, and p.K666M) have reported in individuals with features of RET-related disorders (PMID: 15858153, 21690267, 24569963, 21678021, 25319874). The c.1998G>T (p.Lys666Asn) variant is present in the heterozygous state in the gnomAD population database at a frequency of 0.002% (7/282,120) and thus is presumed to be rare. It affects a highly conserved amino acid and is predicted by multiple in silico tools to have a deleterious effect on protein function. Based on the available evidence, the c.1998G>T (p.Lys666Asn) variant is classified as Pathogenic.

Literature cited by the submitters: PubMed 20103606 (cited by 9 submitters); PubMed 26269449 (cited by 3 submitters); PubMed 27673361 (cited by 9 submitters); PubMed 15858153 (cited by Labcorp Genetics (formerly Invitae), Labcorp and Ambry Genetics); PubMed 21690267 (cited by 4 submitters); PubMed 30927507 (cited by Labcorp Genetics (formerly Invitae), Labcorp and Mayo Clinic Laboratories, Mayo Clinic); PubMed 15844786 (cited by Color Diagnostics, LLC DBA Color Health and All of Us Research Program, National Institutes of Health); PubMed 22865907 (cited by 4 submitters); PubMed 28946813 (cited by 5 submitters); PubMed 29408964 (cited by 7 submitters); PubMed 29684080 (cited by 4 submitters); PubMed 21678021 (cited by Ambry Genetics and Women's Health and Genetics/Laboratory Corporation of America, LabCorp); PubMed 25319874 (cited by Ambry Genetics); PubMed 25810047 (cited by 3 submitters); PubMed 26289449 (cited by Mayo Clinic Laboratories, Mayo Clinic); PubMed 32375120 (cited by Mayo Clinic Laboratories, Mayo Clinic and Quest Diagnostics Nichols Institute San Juan Capistrano); PubMed 29625052 (cited by Quest Diagnostics Nichols Institute San Juan Capistrano); PubMed 34885201 (cited by Quest Diagnostics Nichols Institute San Juan Capistrano); PubMed 35304457 (cited by Quest Diagnostics Nichols Institute San Juan Capistrano); PubMed 33763905 (cited by Quest Diagnostics Nichols Institute San Juan Capistrano); PubMed 25637381 (cited by Quest Diagnostics Nichols Institute San Juan Capistrano); PubMed 21479187 (cited by Women's Health and Genetics/Laboratory Corporation of America, LabCorp).